The following is an entry in ClinVar:

ClinVar aggregate classification (germline): Uncertain significance. Review status: criteria provided, multiple submitters, no conflicts (2 of 4 stars). 2 submissions from 2 submitters: Uncertain significance (2). Last evaluated 2022-02-08.

Conditions:
Intellectual developmental disorder, autosomal dominant 45. Also called: MENTAL RETARDATION, AUTOSOMAL DOMINANT 45; Intellectual disability, autosomal dominant 45. Identifiers: MedGen C4539848, MONDO:0030910, OMIM 617600.

Allele frequency attached by ClinVar (database versions not stated): gnomAD exomes 0.00001 and below 0.00001; TOPMed 0.00001; gnomAD 0.00001.
gnomAD v4.1: 9 of 1,613,466 alleles (0.00056%); highest among the groups gnomAD compares: Non-Finnish European, 0.00076%; no homozygotes.

Submissions (2):

UNC Molecular Genetics  Laboratory, University of North Carolina at Chapel Hill
Classification: Uncertain significance for Intellectual developmental disorder, autosomal dominant 45. Last evaluated: 2022-02-08. Review status: criteria provided, single submitter. Criteria: ACMG Guidelines, 2015. Collection method: research. Allele origin: maternal. Observed: 1 variant allele. Study: CSER_NCGENES_2.
Comment: CIC c.6920C>T p.(Thr2307Met) is a missense variant which is predicted to change a single amino acid from a threonine to a methionine. To our knowledge, this variant has not been reported previously in the medical literature. CIC c.6920C>T p.(Thr2307Met) is observed in gnomAD v2.1.1 in a single individual with a total minor allele frequency of 0.0004% (1 allele/251,112 alleles). Without clinical or functional evidence, this variant is classified as a variant of uncertain significance.

Greenwood Genetic Center Diagnostic Laboratories, Greenwood Genetic Center
Classification: Uncertain significance. Last evaluated: 2021-09-01. Review status: criteria provided, single submitter. Criteria: ACMG Guidelines, 2015. Collection method: clinical testing. Allele origin: germline. Affected: yes.
Comment: PM2

NM_001386298.1(CIC):c.6920C>T (p.Thr2307Met)

Gene: CIC (capicua transcriptional repressor; plus strand). Cytogenetic location: 19q13.2.
Variant type: single nucleotide variant.
Coding change: c.6920C>T on transcript NM_001386298.1 (MANE Select); coding-DNA position 6920, C replaced by T.
Protein change: p.Thr2307Met; replaces threonine 2307 with methionine.
Molecular consequence: missense variant.
Genome position (GRCh38, 1-based): chr19:42,294,087, C>T. VCF-style: chr19-42294087-C-T. GRCh37 (hg19) VCF-style: chr19-42798239-C-T.
Other names: c.6920C>T, p.Thr2307Met (NM_001304815.2); c.6917C>T, p.Thr2306Met (NM_001379480.1, NM_001379482.1); c.4193C>T, p.Thr1398Met (NM_001379484.1, NM_015125.5); c.4190C>T, p.Thr1397Met (NM_001379485.1); short protein forms T1397M, T1398M, T2306M, T2307M.
Identifiers: ClinVar variation 1334565 (VCV001334565.5), dbSNP rs1472569077, ClinGen allele CA406121202.